The following is an entry in ClinVar:

ClinVar aggregate classification (germline): Uncertain significance (1 of 4 stars; one submission).

Conditions:
Cardiovascular phenotype. Identifiers: MedGen CN230736.

Submission:

Ambry Genetics
Classification: Uncertain significance for Cardiovascular phenotype. Last evaluated: 2025-02-05. Review status: criteria provided, single submitter. Criteria: Ambry Variant Classification Scheme 2023. Collection method: clinical testing. Allele origin: germline.
Comment: The p.S123N variant (also known as c.368G>A), located in coding exon 3 of the TPM1 gene, results from a G to A substitution at nucleotide position 368. The serine at codon 123 is replaced by asparagine, an amino acid with highly similar properties. This variant was reported in individual(s) with features consistent with hypertrophic cardiomyopathy (Ho CY et al. Circulation, 2018 Oct;138:1387-1398). This amino acid position is highly conserved in available vertebrate species. In addition, this alteration is predicted to be deleterious by in silico analysis. Based on the available evidence, the clinical significance of this variant remains unclear.

Literature cited by the submitters: PubMed 30297972.

NM_001018005.2(TPM1):c.368G>A (p.Ser123Asn)

Gene: TPM1 (tropomyosin 1; plus strand). Cytogenetic location: 15q22.2.
Variant type: single nucleotide variant.
Coding change: c.368G>A on transcript NM_001018005.2 (MANE Select); coding-DNA position 368, G replaced by A.
Protein change: p.Ser123Asn; replaces serine 123 with asparagine.
Molecular consequence: missense variant. On other transcripts: non-coding transcript variant (17).
Genome position (GRCh38, 1-based): chr15:63,057,112, G>A. VCF-style: chr15-63057112-G-A. GRCh37 (hg19) VCF-style: chr15-63349311-G-A.
Other names: c.368G>A, p.Ser123Asn (NM_000366.6, NM_001018004.2, NM_001018006.2 and 20 more transcripts); c.260G>A, p.Ser87Asn (NM_001018008.2, NM_001301289.2, NM_001330344.2 and 9 more transcripts); c.494G>A, p.Ser165Asn (NM_001365778.1, NM_001407322.1, NM_001407323.1 and 1 more transcripts); short protein forms S123N, S165N, S87N.
Identifiers: ClinVar variation 3809811 (VCV003809811.1).